The following is an entry in ClinVar:

ClinVar aggregate classification (germline): Pathogenic (1 of 4 stars; one submission).

Conditions:
Seizures, benign familial infantile, 3 (BFIS3). Also called: Familial neonatal seizures; CONVULSIONS, BENIGN FAMILIAL INFANTILE, 3. Identifiers: Orphanet 140927, Orphanet 306, MedGen C1843140, MONDO:0011904, OMIM 607745.
Developmental and epileptic encephalopathy, 11 (DEE11). Also called: Early infantile epileptic encephalopathy 11. Identifiers: Orphanet 1934, MedGen C3150987, MONDO:0013388, OMIM 613721.

Submission:

Labcorp Genetics (formerly Invitae), Labcorp
Classification: Pathogenic for Seizures, benign familial infantile, 3; Developmental and epileptic encephalopathy, 11. Last evaluated: 2020-08-14. Review status: criteria provided, single submitter. Criteria: Invitae Variant Classification Sherloc (09022015). Collection method: clinical testing. Allele origin: germline.
Comment: Experimental studies have shown that this variant affects SCN2A protein function (PMID: 28379373). This variant has been observed in individual(s) with Ohtahara syndrome (PMID: 28379373). In at least one individual the variant was observed to be de novo. This variant is not present in population databases (ExAC no frequency). This sequence change replaces valine with leucine at codon 423 of the SCN2A protein (p.Val423Leu). The valine residue is highly conserved and there is a small physicochemical difference between valine and leucine. For these reasons, this variant has been classified as Pathogenic.

Literature cited by the submitters: PubMed 28379373.

NM_001040142.2(SCN2A):c.1267G>T (p.Val423Leu)

Gene: SCN2A (sodium voltage-gated channel alpha subunit 2; plus strand). Cytogenetic location: 2q24.3.
Variant type: single nucleotide variant.
Coding change: c.1267G>T on transcript NM_001040142.2 (MANE Select); coding-DNA position 1267, G replaced by T.
Protein change: p.Val423Leu; replaces valine 423 with leucine.
Molecular consequence: missense variant.
Genome position (GRCh38, 1-based): chr2:165,313,992, G>T. VCF-style: chr2-165313992-G-T. GRCh37 (hg19) VCF-style: chr2-166170502-G-T.
Other names: c.1267G>T, p.Val423Leu (NM_001040143.2, NM_001371246.1, NM_001371247.1 and 1 more transcripts); short protein forms V423L.
Identifiers: ClinVar variation 1072191 (VCV001072191.9), dbSNP rs796053180, ClinGen allele CA349022248.
Genomic context (GRCh38, chr2:165,313,992, plus strand): 5'-ATATTTTTTGTGCTGGTCATTTTCTTGGGCTCATTCTATCTAATAAATTTGATCTTGGCT[G>T]TGGTGGCCATGGCCTATGAGGAACAGAATCAGGCCACATTGGAAGAGGCTGAACAGAAGG-3'
Protein context (NP_001035232.1, residues 413-433): SFYLINLILA[Val423Leu]VAMAYEEQNQ